The following is an entry in ClinVar:

NM_000051.4(ATM):c.5073_5074dup (p.Lys1692fs)

Gene: ATM (ATM serine/threonine kinase; plus strand). Cytogenetic location: 11q22.3.
Variant type: Duplication.
Coding change: c.5073_5074dup on transcript NM_000051.4 (MANE Select); coding-DNA positions 5073 to 5074, 2 bases duplicated (TA; older notation c.5073_5074dupTA).
Protein change: p.Lys1692fs; shifts the reading frame from lysine 1692.
Molecular consequence: frameshift variant.
Genome position (GRCh38, 1-based): chr11:108,299,781-108,299,782, TA duplicated. VCF-style (leftmost placement, unchanged base first): chr11-108299780-G-GTA. GRCh37 (hg19) VCF-style: chr11-108170507-G-GTA.
Other names: c.5073_5074dup, p.Lys1692fs (NM_001351834.2); short protein forms K1692fs.
Identifiers: ClinVar variation 968975 (VCV000968975.7), dbSNP rs2083326327, ClinGen allele CA1139662314.

ClinVar aggregate classification (germline): Pathogenic (1 of 4 stars; one submission).

Conditions:
Ataxia-telangiectasia syndrome (AT). Also called: ATAXIA-TELANGIECTASIA, FRESNO VARIANT; Ataxia-telangiectasia, complementation group E; Ataxia telangiectasia (A-T); LOUIS-BAR SYNDROME; Ataxia-telangiectasia, complementation group D; AT, COMPLEMENTATION GROUP C. Identifiers: Orphanet 100, MedGen C0004135, MONDO:0008840, OMIM 208900.

Submission:

Labcorp Genetics (formerly Invitae), Labcorp
Classification: Pathogenic for Ataxia-telangiectasia syndrome. Last evaluated: 2019-10-28. Review status: criteria provided, single submitter. Criteria: Invitae Variant Classification Sherloc (09022015). Collection method: clinical testing. Allele origin: germline.
Comment: This sequence change creates a premature translational stop signal (p.Lys1692Ilefs*23) in the ATM gene. It is expected to result in an absent or disrupted protein product. This variant is not present in population databases (ExAC no frequency). This variant has not been reported in the literature in individuals with ATM-related conditions. Loss-of-function variants in ATM are known to be pathogenic (PMID: 23807571, 25614872). For these reasons, this variant has been classified as Pathogenic.

Literature cited by the submitters: PubMed 23807571; PubMed 25614872.